The following is an entry in ClinVar:

NM_001297595.2(SIN3B):c.2204C>T (p.Pro735Leu)

Gene: SIN3B (SIN3 transcription regulator family member B; plus strand). Cytogenetic location: 19p13.11.
Variant type: single nucleotide variant.
Coding change: c.2204C>T on transcript NM_001297595.2 (MANE Select); coding-DNA position 2204, C replaced by T.
Protein change: p.Pro735Leu; replaces proline 735 with leucine.
Molecular consequence: missense variant.
Genome position (GRCh38, 1-based): chr19:16,869,857, C>T. VCF-style: chr19-16869857-C-T. GRCh37 (hg19) VCF-style: chr19-16980668-C-T.
Other names: c.974C>T, p.Pro325Leu (NM_001297597.2); c.2300C>T, p.Pro767Leu (NM_015260.4); short protein forms P325L, P735L, P767L.
Identifiers: ClinVar variation 3041466 (VCV003041466.9), dbSNP rs117307745, ClinGen allele CA9283394.

ClinVar aggregate classification (germline): Likely benign. Review status: criteria provided, single submitter (1 of 4 stars). 2 submissions from 2 submitters: Likely benign (1). 1 of the submissions does not count toward it. Last evaluated 2026-08-01.

Conditions:
SIN3B-related disorder. Also called: SIN3B-related condition.

Allele frequency attached by ClinVar (database versions not stated): 1000 Genomes Project 30x 0.00172; 1000 Genomes Project 0.00200; TOPMed 0.00403; ExAC 0.00418; gnomAD exomes 0.00514; ESP Exome Variant Server 0.00554.
gnomAD v4.1: 8,177 of 1,614,212 alleles (0.51%); highest among the groups gnomAD compares: Middle Eastern, 0.76%; 23 homozygotes.

Submissions (2):

CeGaT Center for Human Genetics Tuebingen
Classification: Likely benign. Last evaluated: 2026-08-01. Review status: criteria provided, single submitter. Criteria: CeGaT Center For Human Genetics Tuebingen Variant Classification Criteria Version 2. Collection method: clinical testing. Allele origin: germline. Affected: yes. Observed: 8 variant alleles.
Comment: SIN3B: BS2

PreventionGenetics, part of Exact Sciences
Classification: Benign for SIN3B-related condition. Last evaluated: 2020-02-26. Review status: no assertion criteria provided. Collection method: clinical testing. Allele origin: germline. Not counted in ClinVar's aggregate classification.
Comment: This variant is classified as benign based on ACMG/AMP sequence variant interpretation guidelines (Richards et al. 2015 PMID: 25741868, with internal and published modifications).